The following is an entry in ClinVar:

NM_001429.4(EP300):c.312G>A (p.Met104Ile)

Gene: EP300 (EP300 lysine acetyltransferase; plus strand). Cytogenetic location: 22q13.2.
Variant type: single nucleotide variant.
Coding change: c.312G>A on transcript NM_001429.4 (MANE Select); coding-DNA position 312, G replaced by A.
Protein change: p.Met104Ile; replaces methionine 104 with isoleucine.
Molecular consequence: missense variant.
Genome position (GRCh38, 1-based): chr22:41,117,404, G>A. VCF-style: chr22-41117404-G-A. GRCh37 (hg19) VCF-style: chr22-41513408-G-A.
Other names: c.312G>A, p.Met104Ile (NM_001362843.2); short protein forms M104I.
Identifiers: ClinVar variation 4999456 (VCV004999456.1).

ClinVar aggregate classification (germline): Uncertain significance (1 of 4 stars; one submission).

Conditions:
EP300-related disorder. Also called: EP300-related condition; EP300-related disorders.

Submission:

PreventionGenetics, part of Exact Sciences
Classification: Uncertain significance for EP300-related condition. Last evaluated: 2025-05-14. Review status: criteria provided, single submitter. Criteria: ACMG Guidelines, 2015. Collection method: clinical testing. Allele origin: germline.
Comment: The EP300 c.312G>A variant is predicted to result in the amino acid substitution p.Met104Ile. To our knowledge, this variant has not been reported in the literature. This variant is reported in 0.00088% of alleles in individuals of European (Non-Finnish) descent in gnomAD. At this time, the clinical significance of this variant is uncertain due to the absence of conclusive functional and genetic evidence.